The following is an entry in ClinVar:

NM_000350.3(ABCA4):c.5077G>A (p.Val1693Ile)

Gene: ABCA4 (ATP binding cassette subfamily A member 4; minus strand). Cytogenetic location: 1p22.1.
Variant type: single nucleotide variant.
Coding change: c.5077G>A on transcript NM_000350.3 (MANE Select); coding-DNA position 5077, G replaced by A.
Protein change: p.Val1693Ile; replaces valine 1693 with isoleucine.
Molecular consequence: missense variant.
Genome position (GRCh38, 1-based): chr1:94,019,701, C>T on the plus strand (G>A on the coding strand, the complement: ABCA4 is on the minus strand). VCF-style: chr1-94019701-C-T. GRCh37 (hg19) VCF-style: chr1-94485257-C-T.
Other names: NM_000350.3(ABCA4):c.5077G>A; c.4855G>A, p.Val1619Ile (NM_001425324.1); short protein forms V1693I, V1619I.
Identifiers: ClinVar variation 99343 (VCV000099343.63), dbSNP rs61750563, ClinGen allele CA227271.

ClinVar aggregate classification (germline): Uncertain significance. Review status: reviewed by expert panel (3 of 4 stars). 12 submissions from 12 submitters: Uncertain significance (1). 11 of the submissions do not count toward it. Last evaluated 2026-02-24.

Conditions:
ABCA4-related retinopathy. Also called: ABCA4-related retinoapthy; ABCA4 retinoapthy. Identifiers: MedGen CN322612, MONDO:0800406.
ABCA4-related disorder. Also called: ABCA4-related condition; ABCA4-related disorders. Identifiers: MedGen CN239167.
Stargardt disease (FFM). Also called: Fundus flavimaculatus; Stargardt's disease. Identifiers: Orphanet 827, MedGen C0271093, MONDO:0019353.
Severe early-childhood-onset retinal dystrophy (STGD1). Also called: MACULAR DYSTROPHY WITH FLECKS, TYPE 1; STGD; Stargardt macular dystrophy; Juvenile onset macular degeneration; Stargardt disease 1. Identifiers: Orphanet 364055, Orphanet 827, MedGen C1855465, MeSH D000080362, MONDO:0009549, OMIM 248200.

Allele frequency attached by ClinVar (database versions not stated): gnomAD exomes 0.00010 and 0.00018; ExAC 0.00024; ESP Exome Variant Server 0.00062; 1000 Genomes Project 0.00080; gnomAD 0.00082 and 0.00088; TOPMed 0.00093; 1000 Genomes Project 30x 0.00094.
gnomAD v4.1: 282 of 1,613,704 alleles (0.017%); highest among the groups gnomAD compares: African/African-American, 0.28%; no homozygotes.

Submissions (12):

ClinGen ABCA4 Variant Curation Expert Panel, Clingen
Classification: Uncertain significance for ABCA4-related retinopathy. Last evaluated: 2026-02-24. Review status: reviewed by expert panel. Criteria: ClinGen ABCA4 ACMG Specifications V1.0.0. Collection method: curation. Allele origin: germline. Inheritance: Autosomal recessive inheritance.
Comment: NM_000350.3:c.5077G>A; p.Val1693Ile variant in ABCA4 is a missense variant predicted to cause substitution of valine by isoleucine at amino acid 1693. The GroupMax filtering allele frequency in gnomAD v4.1.0 is 0.002464, which is greater than the ClinGen ABCA4 VCEP’s threshold for BS1_Supporting (>0.00163). The prevalence of the variant in affected individuals is significantly increased compared with the prevalence in controls with an OR of 6.0 and CI of 2.71-12.40, which is above the ABCA4 VCEP threshold of ≥5, where the CI does not contain 1 (PS4; PMID: 35120629). However, case evidence related to this variant was not applied to PP4 or PM3 codes given this variant meets BS1_Supporting. The computational predictor REVEL gives a score of 0.166 which is below the threshold of <0.184, evidence that does not predict a damaging effect on ABCA4 function (BP4_Moderate). In summary, this variant meets the criteria to be classified as uncertain significance for ABCA4-related retinopathy. ACMG/AMP criteria applied, as specified by the ClinGen ABCA4 VCEP specification Version 1.0: PS4, BS1_Supporting, BP4_Moderate

GeneDx
Classification: Likely pathogenic. Last evaluated: 2026-08-28. Review status: criteria provided, single submitter. Criteria: GeneDx Variant Classification Process June 2021. Collection method: clinical testing. Allele origin: germline. Not counted in ClinVar's aggregate classification.
Comment: In silico analysis suggests that this missense variant does not alter protein structure/function; This variant is associated with the following publications: (PMID: 39043154, 16123440, 15161829, 24011517, 25066811, 29925512, 34426522, 31589614, 34954332, 11328725, 37217489, 36011402, 31964843, 32307445, 35150601, 35120629, 38219857)

PreventionGenetics, part of Exact Sciences
Classification: Likely pathogenic for ABCA4-related condition. Last evaluated: 2026-08-18. Review status: criteria provided, single submitter. Criteria: ACMG Guidelines, 2015. Collection method: clinical testing. Allele origin: germline. Not counted in ClinVar's aggregate classification.
Comment: The ABCA4 c.5077G>A variant is predicted to result in the amino acid substitution p.Val1693Ile. This variant has been reported along with a second ABCA4 variant in multiple individuals with retinal disease (see for examples: Utz et al. 2013. PubMed ID: 24011517; Burke et al. 2011. PubMed ID: 21873672, Table S1, Fujinami et al. 2018. PubMed ID: 29925512; Table S1, Lin et al. 2024. PubMed ID: 38219857). This variant is reported in 0.21% of alleles in individuals of African descent in gnomAD, and an analysis of allele frequency in patients and controls has categorized the severity of this variant as mild (Table S2A, Cornelis et al. 2022. PubMed ID: 35120629). Given the evidence, we interpret this variant as likely pathogenic.

Labcorp Genetics (formerly Invitae), Labcorp
Classification: Pathogenic. Last evaluated: 2025-12-01. Review status: criteria provided, single submitter. Criteria: Invitae Variant Classification Sherloc (09022015). Collection method: clinical testing. Allele origin: germline. Not counted in ClinVar's aggregate classification.
Comment: This sequence change replaces valine, which is neutral and non-polar, with isoleucine, which is neutral and non-polar, at codon 1693 of the ABCA4 protein (p.Val1693Ile). This variant is present in population databases (rs61750563, gnomAD 0.2%). This missense change has been observed in individual(s) with Stargardt disease (PMID: 11328725, 24011517, 29925512; internal data). In at least one individual the data is consistent with being in trans (on the opposite chromosome) from a pathogenic variant. ClinVar contains an entry for this variant (Variation ID: 99343). Invitae Evidence Modeling of protein sequence and biophysical properties (such as structural, functional, and spatial information, amino acid conservation, physicochemical variation, residue mobility, and thermodynamic stability) indicates that this missense variant is not expected to disrupt ABCA4 protein function with a negative predictive value of 95%. For these reasons, this variant has been classified as Pathogenic.

Variantyx, Inc.
Classification: Likely pathogenic for Severe early-childhood-onset retinal dystrophy. Last evaluated: 2025-09-11. Review status: criteria provided, single submitter. Criteria: Variantyx Assertion Criteria 2022. Collection method: clinical testing. Allele origin: germline. Inheritance: Autosomal recessive inheritance. Affected: yes. Not counted in ClinVar's aggregate classification.
Comment: This is a nonsynonymous variant in the ABCA4 gene (OMIM: 601691). Pathogenic variants in this gene have been associated with autosomal recessive Stargardt disease 1. This variant has been reported in multiple affected individuals who carried a second variant in this gene; however, the phase of the two variants could not be determined (PMID: 21873672, 24011517, 29925512, 39043154, 38219857, 36011402) (PM3_Strong). It lies within a known hotspot for pathogenic variants or a well-established critical functional domain of the ABCA4 protein (PMID: 23419329, 10958763, 20128570) (PM1). Multiple computational algorithms predict no functional impact for this variant (REVEL score: 0.166) (BP4_Moderate). It has a 0.2773% maximum allele frequency in non-founder control populations (PM2). Based on the current evidence, this variant is classified as likely pathogenic for autosomal recessive Stargardt disease 1.

Blueprint Genetics
Classification: Likely pathogenic for ABCA4-related disorders. Last evaluated: 2024-11-05. Review status: criteria provided, single submitter. Criteria: ACMG Guidelines, 2015. Collection method: clinical testing. Allele origin: germline. Affected: yes. Observed: 5 variant alleles. Not counted in ClinVar's aggregate classification.

Genomic Medicine Center of Excellence, King Faisal Specialist Hospital and Research Centre
Classification: Likely pathogenic for Severe early-childhood-onset retinal dystrophy. Last evaluated: 2024-04-04. Review status: criteria provided, single submitter. Criteria: ACMG Guidelines, 2015. Collection method: clinical testing. Allele origin: germline. Not counted in ClinVar's aggregate classification.

Laboratory for Molecular Medicine, Mass General Brigham Personalized Medicine
Classification: Uncertain significance for Stargardt disease. Last evaluated: 2023-12-01. Review status: criteria provided, single submitter. Criteria: ACMG Guidelines, 2015. Collection method: clinical testing. Allele origin: germline. Inheritance: Autosomal recessive inheritance. Not counted in ClinVar's aggregate classification.
Comment: The p.Val1693Ile variant in ABCA4 has been reported in the compound heterozygous state with another pathogenic variant in ABCA4 in 8 individuals with Stargardt disease; however, the phase of all but one of these variants has not been determined (Burke 2011 PMID: 21873672, Utz 2013 PMID: 24011517, Fujinami 2019 PMID: 29925512, Invitae pers. comm, GeneDx pers. comm.). This variant has also been reported by other clinical laboratories in ClinVar (Variation ID 99343). It has also been identified in 0.2% (111/41416) of African chromosomes by gnomAD (v.3.1.2). Computational prediction tools and conservation analyses do not provide strong support for or against an impact to the protein. In summary, while there is some suspicion for a pathogenic role, the clinical significance of this variant is uncertain. ACMG/AMP Criteria applied: PM3_VeryStrong, PM2_Supporting.

Institute of Human Genetics, University of Leipzig Medical Center
Classification: Likely pathogenic for Severe early-childhood-onset retinal dystrophy. Last evaluated: 2022-05-05. Review status: criteria provided, single submitter. Criteria: ACMG Guidelines, 2015. Collection method: clinical testing. Allele origin: unknown. Affected: yes. Not counted in ClinVar's aggregate classification.
Comment: Criteria applied: PM3_STR, PM2_SUP, PP4

Victorian Clinical Genetics Services, Murdoch Childrens Research Institute
Classification: Uncertain significance for Stargardt disease. Last evaluated: 2021-05-06. Review status: criteria provided, single submitter. Criteria: ACMG Guidelines, 2015. Collection method: clinical testing. Allele origin: germline. Inheritance: Autosomal recessive inheritance. Not counted in ClinVar's aggregate classification.
Comment: Based on the classification scheme VCGS_Germline_v1.3.4, this variant is classified as VUS-3A. Following criteria are met: 0102 - Loss of function is a known mechanism of disease in this gene and is associated with Stargardt disease (MIM #248200), fundus flavimaculatus (MIM #248200), early-onset severe retinal dystrophy (MIM #248200) and retinitis pigmentosa 19 (MIM #601718). (I) 0106 - This gene is associated with autosomal recessive disease. (I) 0115 - Variants in this gene are known to have variable expressivity (PMID: 31522899). (I) 0200 - Variant is predicted to result in a missense amino acid change from valine to isoleucine. (I) 0251 - This variant is heterozygous. (I) 0304 - Variant is present in gnomAD <0.01 for a recessive condition gnomAD (v3) (121 heterozygotes, 0 homozygotes). (SP) 0309 - An alternative amino acid change at the same position has been observed in gnomAD (v3) (1 heterozygote, 0 homozygotes). (I) 0504 - Same amino acid change has been observed in placental mammals. (SB) 0600 - Variant is located in the annotated ABC2 membrane 3 (Pfam). (I) 0705 - No comparable missense variants have previous evidence for pathogenicity. (I) 0802 - This variant has moderate previous evidence of pathogenicity in unrelated individuals. This variant has previously been reported as a variant of uncertain significance and as likely pathogenic with limited evidence in ClinVar. It has also been identified in one or two patients with ABCA4-related eye disease where a second pathogenic variant was also identified (PMIDs: 21873672, 24011517). Other reports of this variant in Stardardt disease patients were considered inconclusive due to lack of phasing information or absence of a pathogenic variant on the other allele (PMIDs: 11328725, 15161829, 16123440, 14971589, 25066811). (SP) 0905 - No published segregation evidence has been identified for this variant. (I) 1007 - No published functional evidence has been identified for this variant. (I) Legend: (SP) - Supporting pathogenic, (I) - Information, (SB) - Supporting benign

CeGaT Center for Human Genetics Tuebingen
Classification: Uncertain significance. Last evaluated: 2019-09-01. Review status: criteria provided, single submitter. Criteria: CeGaT Center For Human Genetics Tuebingen Variant Classification Criteria Version 2. Collection method: clinical testing. Allele origin: germline. Affected: yes. Observed: 1 variant allele. Not counted in ClinVar's aggregate classification.

Retina International
No classification provided. Review status: no classification provided. Collection method: not provided. Allele origin: not provided. Not counted in ClinVar's aggregate classification.

Literature cited by the submitters: PubMed 11328725 (cited by Labcorp Genetics (formerly Invitae), Labcorp and Victorian Clinical Genetics Services, Murdoch Childrens Research Institute); PubMed 24011517 (cited by 4 submitters); PubMed 29925512 (cited by 3 submitters); PubMed 21873672 (cited by 3 submitters); PubMed 39043154 (cited by Variantyx, Inc.); PubMed 36011402 (cited by Variantyx, Inc.); PubMed 38219857 (cited by Variantyx, Inc.); PubMed 23419329 (cited by Variantyx, Inc.); PubMed 10958763 (cited by Variantyx, Inc.); PubMed 20128570 (cited by Variantyx, Inc.); PubMed 15161829 (cited by Victorian Clinical Genetics Services, Murdoch Childrens Research Institute); PubMed 16123440 (cited by Victorian Clinical Genetics Services, Murdoch Childrens Research Institute); PubMed 25066811 (cited by Victorian Clinical Genetics Services, Murdoch Childrens Research Institute); PubMed 31522899 (cited by Victorian Clinical Genetics Services, Murdoch Childrens Research Institute).